The following is an entry in ClinVar:

ClinVar aggregate classification (germline): Uncertain significance (1 of 4 stars; one submission).

Submission:

Labcorp Genetics (formerly Invitae), Labcorp
Classification: Uncertain significance. Last evaluated: 2025-03-18. Review status: criteria provided, single submitter. Criteria: Invitae Variant Classification Sherloc (09022015). Collection method: clinical testing. Allele origin: germline.
Comment: This sequence change replaces alanine, which is neutral and non-polar, with threonine, which is neutral and polar, at codon 2318 of the NBAS protein (p.Ala2318Thr). This variant is not present in population databases (gnomAD no frequency). This variant has not been reported in the literature in individuals affected with NBAS-related conditions. Invitae Evidence Modeling of protein sequence and biophysical properties (such as structural, functional, and spatial information, amino acid conservation, physicochemical variation, residue mobility, and thermodynamic stability) indicates that this missense variant is not expected to disrupt NBAS protein function with a negative predictive value of 95%. In summary, the available evidence is currently insufficient to determine the role of this variant in disease. Therefore, it has been classified as a Variant of Uncertain Significance.

NM_015909.4(NBAS):c.6952G>A (p.Ala2318Thr)

Gene: NBAS (NBAS subunit of NRZ tethering complex; minus strand). Cytogenetic location: 2p24.3.
Variant type: single nucleotide variant.
Coding change: c.6952G>A on transcript NM_015909.4 (MANE Select); coding-DNA position 6952, G replaced by A.
Protein change: p.Ala2318Thr; replaces alanine 2318 with threonine.
Molecular consequence: missense variant. On other transcripts: non-coding transcript variant (1).
Genome position (GRCh38, 1-based): chr2:15,167,212, C>T on the plus strand (G>A on the coding strand, the complement: NBAS is on the minus strand). VCF-style: chr2-15167212-C-T. GRCh37 (hg19) VCF-style: chr2-15307336-C-T.
Other names: short protein forms A2318T.
Identifiers: ClinVar variation 4701369 (VCV004701369.1).